The following is an entry in ClinVar:

ClinVar aggregate classification (germline): Uncertain significance. Review status: criteria provided, multiple submitters, no conflicts (2 of 4 stars). 2 submissions from 2 submitters: Uncertain significance (2). Last evaluated 2024-03-16.

Conditions:
Hypertrophic cardiomyopathy 14. Identifiers: MedGen C2750467, MONDO:0013197, OMIM 613251.

gnomAD v4.1: 1 of 1,614,248 alleles (0.000062%); highest among the groups gnomAD compares: South Asian, 0.0011%; no homozygotes.

Submissions (2):

Labcorp Genetics (formerly Invitae), Labcorp
Classification: Uncertain significance for Hypertrophic cardiomyopathy 14. Last evaluated: 2024-03-16. Review status: criteria provided, single submitter. Criteria: Invitae Variant Classification Sherloc (09022015). Collection method: clinical testing. Allele origin: germline.
Comment: This sequence change replaces alanine, which is neutral and non-polar, with serine, which is neutral and polar, at codon 1765 of the MYH6 protein (p.Ala1765Ser). This variant is not present in population databases (gnomAD no frequency). This variant has not been reported in the literature in individuals affected with MYH6-related conditions. ClinVar contains an entry for this variant (Variation ID: 1503013). Advanced modeling of protein sequence and biophysical properties (such as structural, functional, and spatial information, amino acid conservation, physicochemical variation, residue mobility, and thermodynamic stability) performed at Invitae indicates that this missense variant is not expected to disrupt MYH6 protein function with a negative predictive value of 80%. In summary, the available evidence is currently insufficient to determine the role of this variant in disease. Therefore, it has been classified as a Variant of Uncertain Significance.

GeneDx
Classification: Uncertain significance. Last evaluated: 2023-11-22. Review status: criteria provided, single submitter. Criteria: GeneDx Variant Classification Process June 2021. Collection method: clinical testing. Allele origin: germline. Affected: yes.
Comment: Not observed at significant frequency in large population cohorts (gnomAD); In silico analysis supports that this missense variant does not alter protein structure/function; Has not been previously published as pathogenic or benign to our knowledge

NM_002471.4(MYH6):c.5293G>T (p.Ala1765Ser)

Gene: MYH6 (myosin heavy chain 6; minus strand). Cytogenetic location: 14q11.2.
Variant type: single nucleotide variant.
Coding change: c.5293G>T on transcript NM_002471.4 (MANE Select); coding-DNA position 5293, G replaced by T.
Protein change: p.Ala1765Ser; replaces alanine 1765 with serine.
Molecular consequence: missense variant.
Genome position (GRCh38, 1-based): chr14:23,384,714, C>A on the plus strand (G>T on the coding strand, the complement: MYH6 is on the minus strand). VCF-style: chr14-23384714-C-A. GRCh37 (hg19) VCF-style: chr14-23853923-C-A.
Other names: c.5293G>T (NM_002471.3); short protein forms A1765S.
Identifiers: ClinVar variation 1503013 (VCV001503013.9), dbSNP rs397516775, ClinGen allele CA388985690.
Genomic context (GRCh38, chr14:23,384,714, plus strand): 5'-TCATGCGCTCCAGGTGGGCGCTGGTGTCCTGCTCCTTCTTCAGCTCCTCTGCCATCATGG[C>A]GGCCTGTGTGCAGGAGAGAGGTGGCAAGGAACATGGGCCAGGGGCCGGGGCCTTTTGCCC-3'
Protein context (NP_002462.2, residues 1755-1775): EKAKKAITDA[Ala1765Ser]MMAEELKKEQ